The following is an entry in ClinVar:

NM_000179.3(MSH6):c.2300C>A (p.Thr767Asn)

Gene: MSH6 (mutS homolog 6; plus strand). Cytogenetic location: 2p16.3.
Variant type: single nucleotide variant.
Coding change: c.2300C>A on transcript NM_000179.3 (MANE Select); coding-DNA position 2300, C replaced by A.
Protein change: p.Thr767Asn; replaces threonine 767 with asparagine.
Molecular consequence: missense variant.
Genome position (GRCh38, 1-based): chr2:47,800,283, C>A. VCF-style: chr2-47800283-C-A. GRCh37 (hg19) VCF-style: chr2-48027422-C-A.
Other names: c.1910C>A, p.Thr637Asn (NM_001281492.2); c.1394C>A, p.Thr465Asn (NM_001281493.2, NM_001281494.2); short protein forms T767N, T465N, T637N.
Identifiers: ClinVar variation 483875 (VCV000483875.14), dbSNP rs587781462, ClinGen allele CA346753028.

ClinVar aggregate classification (germline): Conflicting classifications of pathogenicity. Review status: criteria provided, conflicting classifications (1 of 4 stars). 2 submissions from 2 submitters: Likely pathogenic (1); Uncertain significance (1). Last evaluated 2025-12-20.

Conditions:
Hereditary nonpolyposis colorectal neoplasms. Identifiers: MedGen C0009405, MeSH D003123.
Hereditary cancer-predisposing syndrome. Also called: Neoplastic Syndromes, Hereditary; Tumor predisposition; Hereditary Cancer Syndrome; Hereditary neoplastic syndrome. Identifiers: Orphanet 140162, MedGen C0027672, MeSH D009386, MONDO:0015356.

Submissions (2):

Labcorp Genetics (formerly Invitae), Labcorp
Classification: Likely pathogenic for Hereditary nonpolyposis colorectal neoplasms. Last evaluated: 2025-12-20. Review status: criteria provided, single submitter. Criteria: Invitae Variant Classification Sherloc (09022015). Collection method: clinical testing. Allele origin: germline.
Comment: This sequence change replaces threonine, which is neutral and polar, with asparagine, which is neutral and polar, at codon 767 of the MSH6 protein (p.Thr767Asn). This variant is not present in population databases (gnomAD no frequency). This variant has not been reported in the literature in individuals affected with MSH6-related conditions. ClinVar contains an entry for this variant (Variation ID: 483875). Invitae Evidence Modeling incorporating data from in vitro experimental studies (internal data) indicates that this missense variant is expected to disrupt MSH6 function with a positive predictive value of 95%. This variant disrupts the p.Thr767 amino acid residue in MSH6. Other variant(s) that disrupt this residue have been determined to be pathogenic (PMID: 31100584, 31965077). This suggests that this residue is clinically significant, and that variants that disrupt this residue are likely to be disease-causing. In summary, the currently available evidence indicates that the variant is pathogenic, but additional data are needed to prove that conclusively. Therefore, this variant has been classified as Likely Pathogenic.

Ambry Genetics
Classification: Uncertain significance for Hereditary cancer-predisposing syndrome. Last evaluated: 2017-07-19. Review status: criteria provided, single submitter. Criteria: Ambry Variant Classification Scheme 2023. Collection method: clinical testing. Allele origin: germline.
Comment: The p.T767N variant (also known as c.2300C>A), located in coding exon 4 of the MSH6 gene, results from a C to A substitution at nucleotide position 2300. The threonine at codon 767 is replaced by asparagine, an amino acid with similar properties. This amino acid position is highly conserved in available vertebrate species. In addition, this alteration is predicted to be deleterious by in silico analysis. In addition, the CoDP in silico tool predicts this alteration to likely impair molecular function, with a score of 0.910 (Terui H et al. J. Biomed. Sci. 2013 Apr;20:25). Since supporting evidence is limited at this time, the clinical significance of this alteration remains unclear.

Literature cited by the submitters: PubMed 31100584 (cited by Labcorp Genetics (formerly Invitae), Labcorp); PubMed 31965077 (cited by Labcorp Genetics (formerly Invitae), Labcorp).